The following is an entry in ClinVar:

ClinVar aggregate classification (germline): Pathogenic (1 of 4 stars; one submission).

Conditions:
Oculocutaneous albinism type 1. Also called: Albinism 1; ALBINISM I. Identifiers: Orphanet 352731, MedGen C0268494, MONDO:0018135. Disease mechanism: loss of function.

Submission:

Department of Clinical Genetics, Copenhagen University Hospital, Rigshospitalet
Classification: Pathogenic for Oculocutaneous albinism type 1. Last evaluated: 2025-05-23. Review status: criteria provided, single submitter. Criteria: ACMG Guidelines, 2015. Collection method: clinical testing. Allele origin: germline.
Comment: The following ACMG criteria has been used: PVS1, PM2_sup, PM3

NM_000372.5:c.(1184+1_1185-1)_(1366+1_1367-1)del

Gene: TYR (tyrosinase; plus strand).
Variant type: Deletion.
Other names: c.(1184+1_1185-1)_(1366+1_1367-1)del (NM_000372.5).
Identifiers: ClinVar variation 4073697 (VCV004073697.1).